The following is an entry in ClinVar:

NM_014254.3(RXYLT1):c.149C>G (p.Ala50Gly)

Gene: RXYLT1 (ribitol xylosyltransferase 1; plus strand). Cytogenetic location: 12q14.2.
Variant type: single nucleotide variant.
Coding change: c.149C>G on transcript NM_014254.3 (MANE Select); coding-DNA position 149, C replaced by G.
Protein change: p.Ala50Gly; replaces alanine 50 with glycine.
Molecular consequence: missense variant. On other transcripts: 5 prime UTR variant (1).
Genome position (GRCh38, 1-based): chr12:63,780,109, C>G. VCF-style: chr12-63780109-C-G. GRCh37 (hg19) VCF-style: chr12-64173889-C-G.
Other names: c.-965C>G (NM_001278237.2); short protein forms A50G.
Identifiers: ClinVar variation 1932305 (VCV001932305.2), dbSNP rs1172822688, ClinGen allele CA385584024.
Genomic context (GRCh38, chr12:63,780,109, plus strand): 5'-GGCGCCGCCGCCAGGCGCCGGCCGGGTCCCCGCGGGGCCTCAGGAAGGGGGCGGCCCCCG[C>G]GCGGGAGAGACGCGGCCGAGGTAGGACTGGGTCGGCGGCTTCCTTCCGGCTCTGCGCTCC-3'
Protein context (NP_055069.1, residues 40-60): PRGLRKGAAP[Ala50Gly]RERRGREQST

ClinVar aggregate classification (germline): Uncertain significance (1 of 4 stars; one submission).

Allele frequency attached by ClinVar (database versions not stated): TOPMed below 0.00001; gnomAD 0.00001.
gnomAD v4.1: 1 of 1,537,192 alleles (0.000065%); highest among the groups gnomAD compares: African/African-American, 0.0014%; no homozygotes.

Submission:

Labcorp Genetics (formerly Invitae), Labcorp
Classification: Uncertain significance. Last evaluated: 2022-05-27. Review status: criteria provided, single submitter. Criteria: Invitae Variant Classification Sherloc (09022015). Collection method: clinical testing. Allele origin: germline.
Comment: This sequence change replaces alanine, which is neutral and non-polar, with glycine, which is neutral and non-polar, at codon 50 of the RXYLT1 protein (p.Ala50Gly). This variant is present in population databases (no rsID available, gnomAD 0.01%). This variant has not been reported in the literature in individuals affected with RXYLT1-related conditions. Algorithms developed to predict the effect of missense changes on protein structure and function (SIFT, PolyPhen-2, Align-GVGD) all suggest that this variant is likely to be tolerated. In summary, the available evidence is currently insufficient to determine the role of this variant in disease. Therefore, it has been classified as a Variant of Uncertain Significance.